The following is an entry in ClinVar:

ClinVar aggregate classification (germline): Pathogenic (1 of 4 stars; one submission).

Submission:

Quest Diagnostics Nichols Institute San Juan Capistrano
Classification: Pathogenic. Last evaluated: 2025-06-19. Review status: criteria provided, single submitter. Criteria: ACMG/ClinGen CNV Guidelines, 2019. Collection method: clinical testing. Allele origin: unknown.
Comment: This duplication involves at least 27 protein-coding genes and is consistent with the triplosensitive proximal (BP4-BP5) 16p11.2 microduplication syndromic region (OMIM 614671; ISCA-37400), which is characterized by various phenotypic features (Rein 2020, Taylor 2021). Inheritance from an unaffected or mildly affected parent has been reported. Therefore, based on gene content and current medical literature, this copy number variant (CNV) is classified as pathogenic, with reduced penetrance and variable expressivity. References: Rein et al., Trends Neurosci. 2020 Nov;43(11):886-901. PMID: 32993859 Taylor et al. 16p11.2 Recurrent Deletion. GeneReviews [updated 2021 Oct 28]. PMID: 20301775

GRCh37/hg19 16p11.2(chr16:29608323-30177240)x3

Genes: ALDOA (aldolase, fructose-bisphosphate A; plus strand), ASPHD1 (aspartate beta-hydroxylase domain containing 1; plus strand), C16orf54 (chromosome 16 open reading frame 54; minus strand), C16orf92 (chromosome 16 open reading frame 92; plus strand), CDIPT (CDP-diacylglycerol--inositol 3-phosphatidyltransferase; minus strand) and 21 more. Cytogenetic location: 16p11.2.
Variant type: copy number gain.
Change: copy number 3 (three copies instead of two) of chr16:29,608,323-30,177,240 (568.9 kb, GRCh37 coordinates, 1-based), cytogenetic band 16p11.2.
Identifiers: ClinVar variation 564327 (VCV000564327.4).